The following is an entry in ClinVar:

NM_024422.6(DSC2):c.354+2T>A

Gene: DSC2 (desmocollin 2; minus strand). Cytogenetic location: 18q12.1.
Variant type: single nucleotide variant.
Coding change: c.354+2T>A on transcript NM_024422.6 (MANE Select); the canonical splice donor site of the intron after coding-DNA position 354, T replaced by A.
Molecular consequence: splice donor variant.
Genome position (GRCh38, 1-based): chr18:31,092,099, A>T on the plus strand (T>A on the coding strand, the complement: DSC2 is on the minus strand). VCF-style: chr18-31092099-A-T. GRCh37 (hg19) VCF-style: chr18-28672062-A-T.
Other names: c.354+2T>A (NM_004949.5); c.-76+2T>A (NM_001406506.1, NM_001406507.1).
Identifiers: ClinVar variation 3227847 (VCV003227847.3), dbSNP rs2510955933, ClinGen allele CA402114545.

ClinVar aggregate classification (germline): Likely pathogenic. Review status: criteria provided, multiple submitters, no conflicts (2 of 4 stars). 2 submissions from 2 submitters: Likely pathogenic (2). Last evaluated 2024-10-18.

Conditions:
Cardiovascular phenotype. Identifiers: MedGen CN230736.
Arrhythmogenic right ventricular dysplasia 11. Also called: ARRHYTHMOGENIC RIGHT VENTRICULAR DYSPLASIA, FAMILIAL, 11; Arrhythmogenic Right Ventricular Dysplasia/Cardiomyopathy11; Arrhythmogenic right ventricular dysplasia 11 with mild palmoplantar keratoderma and woolly hair. Identifiers: MedGen C1864850, MONDO:0012506, OMIM 610476.

Submissions (2):

Labcorp Genetics (formerly Invitae), Labcorp
Classification: Likely pathogenic for Arrhythmogenic right ventricular dysplasia 11. Last evaluated: 2024-10-18. Review status: criteria provided, single submitter. Criteria: Invitae Variant Classification Sherloc (09022015). Collection method: clinical testing. Allele origin: germline.
Comment: This sequence change affects a donor splice site in intron 3 of the DSC2 gene. It is expected to disrupt RNA splicing. Variants that disrupt the donor or acceptor splice site typically lead to a loss of protein function (PMID: 16199547), and loss-of-function variants in DSC2 are known to be pathogenic (PMID: 23911551). This variant is not present in population databases (gnomAD no frequency). This variant has not been reported in the literature in individuals affected with DSC2-related conditions. Algorithms developed to predict the effect of sequence changes on RNA splicing suggest that this variant may disrupt the consensus splice site. In summary, the currently available evidence indicates that the variant is pathogenic, but additional data are needed to prove that conclusively. Therefore, this variant has been classified as Likely Pathogenic.

Ambry Genetics
Classification: Likely pathogenic for Cardiovascular phenotype. Last evaluated: 2023-12-20. Review status: criteria provided, single submitter. Criteria: Ambry Variant Classification Scheme 2023. Collection method: clinical testing. Allele origin: germline.
Comment: The c.354+2T>A intronic variant results from a T to A substitution two nucleotides after coding exon 3 in the DSC2 gene. This variant is considered to be rare based on population cohorts in the Genome Aggregation Database (gnomAD). This nucleotide position is highly conserved in available vertebrate species. In silico splice site analysis predicts that this alteration will weaken the native splice donor site. Alterations that disrupt the canonical splice site are expected to cause aberrant splicing, resulting in an abnormal protein or a transcript that is subject to nonsense-mediated mRNA decay. As such, this alteration is classified as likely pathogenic.

Literature cited by the submitters: PubMed 16199547 (cited by Labcorp Genetics (formerly Invitae), Labcorp); PubMed 23911551 (cited by Labcorp Genetics (formerly Invitae), Labcorp).